The following is an entry in ClinVar:

ClinVar aggregate classification (germline): Uncertain significance (1 of 4 stars; one submission).

Conditions:
Severe combined immunodeficiency due to DNA-PKcs deficiency. Also called: IMMUNODEFICIENCY 26 WITH NEUROLOGIC ABNORMALITIES; Immunodeficiency 26 with or without neurologic abnormalities. Identifiers: Orphanet 317425, MedGen C4014833, MONDO:0014423, OMIM 615966.

Allele frequency attached by ClinVar (database versions not stated): gnomAD exomes 0.00001; TOPMed 0.00001; gnomAD 0.00001.
gnomAD v4.1: 12 of 1,528,296 alleles (0.00079%); highest among the groups gnomAD compares: Non-Finnish European, 0.00088%; no homozygotes.

Submission:

Labcorp Genetics (formerly Invitae), Labcorp
Classification: Uncertain significance for Severe combined immunodeficiency due to DNA-PKcs deficiency. Last evaluated: 2017-07-30. Review status: criteria provided, single submitter. Criteria: Invitae Variant Classification Sherloc (09022015). Collection method: clinical testing. Allele origin: germline.
Comment: This sequence change replaces aspartic acid with glycine at codon 547 of the PRKDC protein (p.Asp547Gly). The aspartic acid residue is highly conserved and there is a moderate physicochemical difference between aspartic acid and glycine. This variant is not present in population databases (ExAC no frequency). This variant has not been reported in the literature in individuals with PRKDC-related disease. Algorithms developed to predict the effect of missense changes on protein structure and function do not agree on the potential impact of this missense change (SIFT: "Tolerated"; PolyPhen-2: "Possibly Damaging"; Align-GVGD: "Class C0"). Algorithms developed to predict the effect of sequence changes on RNA splicing suggest that this variant may create or strengthen a splice site, but this prediction has not been confirmed by published transcriptional studies. In summary, the available evidence is currently insufficient to determine the role of this variant in disease. Therefore, it has been classified as a Variant of Uncertain Significance.

NM_006904.7(PRKDC):c.1640A>G (p.Asp547Gly)

Gene: PRKDC (protein kinase, DNA-activated, catalytic subunit; minus strand). Cytogenetic location: 8q11.21.
Variant type: single nucleotide variant.
Coding change: c.1640A>G on transcript NM_006904.7 (MANE Select); coding-DNA position 1640, A replaced by G.
Protein change: p.Asp547Gly; replaces aspartic acid 547 with glycine.
Molecular consequence: missense variant.
Genome position (GRCh38, 1-based): chr8:47,933,156, T>C on the plus strand (A>G on the coding strand, the complement: PRKDC is on the minus strand). VCF-style: chr8-47933156-T-C. GRCh37 (hg19) VCF-style: chr8-48845716-T-C.
Other names: c.1640A>G, p.Asp547Gly (NM_001081640.2); short protein forms D547G.
Identifiers: ClinVar variation 475220 (VCV000475220.6), dbSNP rs1455158671, ClinGen allele CA371165191.